The following is an entry in ClinVar:

NM_004341.5(CAD):c.466C>T (p.Arg156Cys)

Gene: CAD (carbamoyl-phosphate synthetase 2, aspartate transcarbamylase, and dihydroorotase; plus strand). Cytogenetic location: 2p23.3.
Variant type: single nucleotide variant.
Coding change: c.466C>T on transcript NM_004341.5 (MANE Select); coding-DNA position 466, C replaced by T.
Protein change: p.Arg156Cys; replaces arginine 156 with cysteine.
Molecular consequence: missense variant.
Genome position (GRCh38, 1-based): chr2:27,222,307, C>T. VCF-style: chr2-27222307-C-T. GRCh37 (hg19) VCF-style: chr2-27445175-C-T.
Other names: c.466C>T, p.Arg156Cys (NM_001306079.2); c.466C>T (NM_004341.3); short protein forms R156C.
Identifiers: ClinVar variation 1986864 (VCV001986864.3), dbSNP rs769754191, ClinGen allele CA1572420.

ClinVar aggregate classification (germline): Uncertain significance. Review status: criteria provided, multiple submitters, no conflicts (2 of 4 stars). 3 submissions from 3 submitters: Uncertain significance (3). Last evaluated 2025-01-08.

Conditions:
Inborn genetic diseases. Identifiers: MedGen C0950123, MeSH D030342.

Allele frequency attached by ClinVar (database versions not stated): gnomAD exomes below 0.00001; ExAC 0.00001; gnomAD 0.00001; TOPMed 0.00001.

Submissions (3):

Ambry Genetics
Classification: Uncertain significance for Inborn genetic diseases. Last evaluated: 2025-01-08. Review status: criteria provided, single submitter. Criteria: Ambry Variant Classification Scheme 2023. Collection method: clinical testing. Allele origin: germline.

Labcorp Genetics (formerly Invitae), Labcorp
Classification: Uncertain significance. Last evaluated: 2022-02-22. Review status: criteria provided, single submitter. Criteria: Invitae Variant Classification Sherloc (09022015). Collection method: clinical testing. Allele origin: germline.
Comment: This sequence change replaces arginine, which is basic and polar, with cysteine, which is neutral and slightly polar, at codon 156 of the CAD protein (p.Arg156Cys). This variant is present in population databases (rs769754191, gnomAD 0.0009%). This variant has not been reported in the literature in individuals affected with CAD-related conditions. Algorithms developed to predict the effect of missense changes on protein structure and function are either unavailable or do not agree on the potential impact of this missense change (SIFT: "Deleterious"; PolyPhen-2: "Probably Damaging"; Align-GVGD: "Class C0"). In summary, the available evidence is currently insufficient to determine the role of this variant in disease. Therefore, it has been classified as a Variant of Uncertain Significance.

Blueprint Genetics
Classification: Uncertain significance. Last evaluated: 2022-01-31. Review status: criteria provided, single submitter. Criteria: ACMG Guidelines, 2015. Collection method: clinical testing. Allele origin: germline.